The following is an entry in ClinVar:

NM_000334.4(SCN4A):c.2241C>G (p.Phe747Leu)

Genes: GH-LCR (growth hormone locus control region; plus strand), SCN4A (sodium voltage-gated channel alpha subunit 4; minus strand). Cytogenetic location: 17q23.3.
Variant type: single nucleotide variant.
Coding change: c.2241C>G on transcript NM_000334.4 (MANE Select); coding-DNA position 2241, C replaced by G.
Protein change: p.Phe747Leu; replaces phenylalanine 747 with leucine.
Molecular consequence: missense variant.
Genome position (GRCh38, 1-based): chr17:63,957,297, G>C on the plus strand (C>G on the coding strand, the complement: SCN4A is on the minus strand). VCF-style: chr17-63957297-G-C. GRCh37 (hg19) VCF-style: chr17-62034657-G-C.
Other names: short protein forms F747L.
Identifiers: ClinVar variation 1974474 (VCV001974474.7), dbSNP rs1188601087, ClinGen allele CA400629966.
Genomic context (GRCh38, chr17:63,957,297, plus strand): 5'-CCACATGGTCTCGATCCACTCCCCGCACAGGATGCGGAAGACGATGAGGAAGGAGTGGAA[G>C]AAATCATGCATGTGCCAGCGCGGCAGGTTGCAGTCCAAGGCAATCTTGCACACGCACTCC-3'
Protein context (NP_000325.4, residues 737-757): CNLPRWHMHD[Phe747Leu]FHSFLIVFRI

ClinVar aggregate classification (germline): Uncertain significance. Review status: criteria provided, multiple submitters, no conflicts (2 of 4 stars). 2 submissions from 2 submitters: Uncertain significance (2). Last evaluated 2025-09-06.

Conditions:
Hyperkalemic periodic paralysis. Also called: Gamstorp disease; Familial hyperkalemic periodic paralysis. Identifiers: Orphanet 682, MedGen C0238357, MONDO:0008224, OMIM 170500, HP:0007215.

Allele frequency attached by ClinVar (database versions not stated): gnomAD 0.00001.
gnomAD v4.1: 1 of 1,614,070 alleles (0.000062%); highest among the groups gnomAD compares: Admixed American, 0.0017%; no homozygotes.

Submissions (2):

GeneDx
Classification: Uncertain significance. Last evaluated: 2025-09-06. Review status: criteria provided, single submitter. Criteria: GeneDx Variant Classification Process June 2021. Collection method: clinical testing. Allele origin: germline.
Comment: Not observed at significant frequency in large population cohorts (gnomAD); In silico analysis supports that this missense variant has a deleterious effect on protein structure/function; Has not been previously published as pathogenic or benign to our knowledge

Labcorp Genetics (formerly Invitae), Labcorp
Classification: Uncertain significance for Hyperkalemic periodic paralysis. Last evaluated: 2024-04-04. Review status: criteria provided, single submitter. Criteria: Invitae Variant Classification Sherloc (09022015). Collection method: clinical testing. Allele origin: germline.
Comment: This sequence change replaces phenylalanine, which is neutral and non-polar, with leucine, which is neutral and non-polar, at codon 747 of the SCN4A protein (p.Phe747Leu). This variant is not present in population databases (gnomAD no frequency). This variant has not been reported in the literature in individuals affected with SCN4A-related conditions. ClinVar contains an entry for this variant (Variation ID: 1974474). Advanced modeling of protein sequence and biophysical properties (such as structural, functional, and spatial information, amino acid conservation, physicochemical variation, residue mobility, and thermodynamic stability) performed at Invitae indicates that this missense variant is expected to disrupt SCN4A protein function with a positive predictive value of 80%. In summary, the available evidence is currently insufficient to determine the role of this variant in disease. Therefore, it has been classified as a Variant of Uncertain Significance.